The following is an entry in ClinVar:

NM_133433.4(NIPBL):c.611-7A>G

Gene: NIPBL (NIPBL cohesin loading factor; plus strand). Cytogenetic location: 5p13.2.
Variant type: single nucleotide variant.
Coding change: c.611-7A>G on transcript NM_133433.4 (MANE Select); 7 bases into the intron before coding-DNA position 611, A replaced by G.
Molecular consequence: intron variant.
Genome position (GRCh38, 1-based): chr5:36,970,869, A>G. VCF-style: chr5-36970869-A-G. GRCh37 (hg19) VCF-style: chr5-36970971-A-G.
Other names: c.611-7A>G (NM_001438586.1, NM_015384.5).
Identifiers: ClinVar variation 4770530 (VCV004770530.2).

ClinVar aggregate classification (germline): Uncertain significance. Review status: criteria provided, multiple submitters, no conflicts (2 of 4 stars). 2 submissions from 2 submitters: Uncertain significance (2). Last evaluated 2025-09-16.

Conditions:
Cornelia de Lange syndrome 1 (CDLS1). Also called: Brachmann de Lange syndrome; NIPBL-Related Cornelia de Lange Syndrome; TYPUS DEGENERATIVUS AMSTELODAMENSIS. Identifiers: Orphanet 199, MedGen C4551851, MONDO:0007387, OMIM 122470.

gnomAD v4.1: 2 of 1,611,364 alleles (0.00012%); highest among the groups gnomAD compares: Admixed American, 0.0017%; no homozygotes.

Submissions (2):

GeneDx
Classification: Uncertain significance. Last evaluated: 2025-09-16. Review status: criteria provided, single submitter. Criteria: GeneDx Variant Classification Process June 2021. Collection method: clinical testing. Allele origin: germline. Affected: yes.
Comment: Not observed at significant frequency in large population cohorts (gnomAD); In silico analysis supports a deleterious effect on splicing; Has not been previously published as pathogenic or benign to our knowledge

Labcorp Genetics (formerly Invitae), Labcorp
Classification: Uncertain significance for Cornelia de Lange syndrome 1. Last evaluated: 2025-07-09. Review status: criteria provided, single submitter. Criteria: Invitae Variant Classification Sherloc (09022015). Collection method: clinical testing. Allele origin: germline.
Comment: This sequence change falls in intron 6 of the NIPBL gene. It does not directly change the encoded amino acid sequence of the NIPBL protein. This variant is not present in population databases (gnomAD no frequency). This variant has not been reported in the literature in individuals affected with NIPBL-related conditions. Algorithms developed to predict the effect of sequence changes on RNA splicing suggest that this variant may disrupt the consensus splice site. In summary, the available evidence is currently insufficient to determine the role of this variant in disease. Therefore, it has been classified as a Variant of Uncertain Significance.